The following is an entry in ClinVar:

Conditions:
Breast-ovarian cancer, familial, susceptibility to, 1 (BROVCA1). Also called: BRCA1 Hereditary Breast and Ovarian Cancer; OVARIAN CANCER, SUSCEPTIBILITY TO. Identifiers: Orphanet 145, MedGen C2676676, MONDO:0011450, OMIM 604370. Disease mechanism: loss of function.

Submission:

Brotman Baty Institute, University of Washington
No classification provided (evidence only). Condition: Breast-ovarian cancer, familial 1. Review status: no classification provided. Collection method: in vitro. Allele origin: not applicable. Functional consequence: functionally_normal.
ClinVar note: "not provided" was previously submitted as the classification for the variant. However, the classification appeared to be based only on an observation of functional data so it was converted to no classification on 2025-07-30.

NM_007294.4(BRCA1):c.148A>C (p.Lys50Gln)

Gene: BRCA1 (BRCA1 DNA repair associated; minus strand). Cytogenetic location: 17q21.31.
Variant type: single nucleotide variant.
Coding change: c.148A>C on transcript NM_007294.4 (MANE Select); coding-DNA position 148, A replaced by C.
Protein change: p.Lys50Gln; replaces lysine 50 with glutamine.
Molecular consequence: missense variant. On other transcripts: non-coding transcript variant (1).
Genome position (GRCh38, 1-based): chr17:43,106,520, T>G on the plus strand (A>C on the coding strand, the complement: BRCA1 is on the minus strand). VCF-style: chr17-43106520-T-G. GRCh37 (hg19) VCF-style: chr17-41258537-T-G.
Other names: c.-41A>C (NM_001407571.1, NM_001407853.1, NM_001407879.1 and 58 more transcripts); c.148A>C, p.Lys50Gln (NM_001407581.1, NM_001407582.1, NM_001407583.1 and 168 more transcripts); c.7A>C, p.Lys3Gln (NM_001407692.1, NM_001407694.1, NM_001407695.1 and 99 more transcripts); short protein forms K3Q, K50Q.
Identifiers: ClinVar variation 867889 (VCV000867889.3), dbSNP rs747212786, ClinGen allele CA10601861.
Genomic context (GRCh38, chr17:43,106,520, plus strand): 5'-TGGTTATATCATTCTTACATAAAGGACACTGTGAAGGCCCTTTCTTCTGGTTGAGAAGTT[T>G]CAGCATGCAAAATCTATAAATTATAAAGAAAGAAAGAACAATTTAATTTACTTCCTTTTG-3'
Protein context (NP_009225.1, residues 40-60): DHIFCKFCML[Lys50Gln]LLNQKKGPSQ